The following is an entry in ClinVar:

NM_024996.7(GFM1):c.1406del (p.Gly469fs)

Gene: GFM1 (G elongation factor mitochondrial 1; plus strand). Cytogenetic location: 3q25.32.
Variant type: Deletion.
Coding change: c.1406del on transcript NM_024996.7 (MANE Select); coding-DNA position 1406, one base deleted (G; older notation c.1406delG).
Protein change: p.Gly469fs; shifts the reading frame from glycine 469.
Molecular consequence: frameshift variant. On other transcripts: non-coding transcript variant (4).
Genome position (GRCh38, 1-based): chr3:158,665,362, G deleted; the last of 2 consecutive G bases (chr3:158,665,361-158,665,362); deleting either gives the same sequence. VCF-style (leftmost placement, unchanged base first): chr3-158665360-AG-A. GRCh37 (hg19) VCF-style: chr3-158383149-AG-A.
Other names: c.1463del, p.Gly488fs (NM_001308164.2); c.1406del, p.Gly469fs (NM_001308166.2); c.1325del, p.Gly442fs (NM_001374355.1); c.1289del, p.Gly430fs (NM_001374356.1); c.1181del, p.Gly394fs (NM_001374357.1); c.947del, p.Gly316fs (NM_001374358.1); c.839del, p.Gly280fs (NM_001374359.1, NM_001374360.1); c.722del, p.Gly241fs (NM_001374361.1); short protein forms G316fs, G394fs, G430fs, G469fs, G488fs, G442fs, G241fs, G280fs.
Identifiers: ClinVar variation 2027734 (VCV002027734.4), dbSNP rs2474006870, ClinGen allele CA2577945188.

ClinVar aggregate classification (germline): Pathogenic (1 of 4 stars; one submission).

Submission:

Labcorp Genetics (formerly Invitae), Labcorp
Classification: Pathogenic. Last evaluated: 2022-08-29. Review status: criteria provided, single submitter. Criteria: Invitae Variant Classification Sherloc (09022015). Collection method: clinical testing. Allele origin: germline.
Comment: For these reasons, this variant has been classified as Pathogenic. Algorithms developed to predict the effect of sequence changes on RNA splicing suggest that this variant may disrupt the consensus splice site. This premature translational stop signal has been observed in individual(s) with combined oxidative phosphorylation deficiency (PMID: 25852744). In at least one individual the data is consistent with being in trans (on the opposite chromosome) from a pathogenic variant. This variant is not present in population databases (gnomAD no frequency). This sequence change creates a premature translational stop signal (p.Gly469Valfs*84) in the GFM1 gene. It is expected to result in an absent or disrupted protein product. Loss-of-function variants in GFM1 are known to be pathogenic (PMID: 16632485, 17160893).

Literature cited by the submitters: PubMed 25852744; PubMed 16632485; PubMed 17160893.